The following is an entry in ClinVar:

ClinVar aggregate classification (germline): Uncertain significance (1 of 4 stars; one submission).

Submission:

GeneDx
Classification: Uncertain significance. Last evaluated: 2024-06-05. Review status: criteria provided, single submitter. Criteria: GeneDx Variant Classification Process June 2021. Collection method: clinical testing. Allele origin: germline. Affected: yes.
Comment: Not observed at significant frequency in large population cohorts (gnomAD); In silico analysis indicates that this missense variant does not alter protein structure/function; Has not been previously published as pathogenic or benign to our knowledge

NM_004380.3(CREBBP):c.2351T>A (p.Met784Lys)

Gene: CREBBP (CREB binding protein; minus strand). Cytogenetic location: 16p13.3.
Variant type: single nucleotide variant.
Coding change: c.2351T>A on transcript NM_004380.3 (MANE Select); coding-DNA position 2351, T replaced by A.
Protein change: p.Met784Lys; replaces methionine 784 with lysine.
Molecular consequence: missense variant.
Genome position (GRCh38, 1-based): chr16:3,773,863, A>T on the plus strand (T>A on the coding strand, the complement: CREBBP is on the minus strand). VCF-style: chr16-3773863-A-T. GRCh37 (hg19) VCF-style: chr16-3823864-A-T.
Other names: c.2237T>A, p.Met746Lys (NM_001079846.1); short protein forms M746K, M784K.
Identifiers: ClinVar variation 1806495 (VCV001806495.2), dbSNP rs2141216207, ClinGen allele CA394553007.